The following is an entry in ClinVar:

ClinVar aggregate classification (germline): Uncertain significance. Review status: criteria provided, multiple submitters, no conflicts (2 of 4 stars). 2 submissions from 2 submitters: Uncertain significance (2). Last evaluated 2024-06-10.

Allele frequency attached by ClinVar (database versions not stated): gnomAD exomes below 0.00001; ExAC 0.00001.
gnomAD v4.1: 5 of 1,614,130 alleles (0.00031%); highest among the groups gnomAD compares: Middle Eastern, 0.017%; no homozygotes.

Submissions (2):

Ambry Genetics
Classification: Uncertain significance. Last evaluated: 2024-06-10. Review status: criteria provided, single submitter. Criteria: Ambry Variant Classification Scheme 2023. Collection method: clinical testing. Allele origin: germline.

Labcorp Genetics (formerly Invitae), Labcorp
Classification: Uncertain significance. Last evaluated: 2022-12-29. Review status: criteria provided, single submitter. Criteria: Invitae Variant Classification Sherloc (09022015). Collection method: clinical testing. Allele origin: germline.
Comment: This variant is present in population databases (rs775981122, gnomAD 0.006%). This sequence change replaces glycine, which is neutral and non-polar, with arginine, which is basic and polar, at codon 203 of the KANK1 protein (p.Gly203Arg). This variant has not been reported in the literature in individuals affected with KANK1-related conditions. In summary, the available evidence is currently insufficient to determine the role of this variant in disease. Therefore, it has been classified as a Variant of Uncertain Significance. Advanced modeling of protein sequence and biophysical properties (such as structural, functional, and spatial information, amino acid conservation, physicochemical variation, residue mobility, and thermodynamic stability) performed at Invitae indicates that this missense variant is not expected to disrupt KANK1 protein function.

NM_015158.5(KANK1):c.607G>A (p.Gly203Arg)

Gene: KANK1 (KN motif and ankyrin repeat domains 1; plus strand). Cytogenetic location: 9p24.3.
Variant type: single nucleotide variant.
Coding change: c.607G>A on transcript NM_015158.5 (MANE Select); coding-DNA position 607, G replaced by A.
Protein change: p.Gly203Arg; replaces glycine 203 with arginine.
Molecular consequence: missense variant. On other transcripts: non-coding transcript variant (1).
Genome position (GRCh38, 1-based): chr9:711,373, G>A. VCF-style: chr9-711373-G-A. GRCh37 (hg19) VCF-style: chr9-711373-G-A.
Other names: c.607G>A, p.Gly203Arg (NM_001256876.3, NM_001256877.3, NM_001354331.2 and 2 more transcripts); c.133G>A, p.Gly45Arg (NM_001354333.2, NM_001354335.2, NM_001354336.2 and 9 more transcripts); c.607G>A (NM_015158.2); short protein forms G203R, G45R.
Identifiers: ClinVar variation 2791269 (VCV002791269.4), dbSNP rs775981122, ClinGen allele CA4959996.